The following is an entry in ClinVar:

NC_000010.11:g.(?_123034356)_(123041379_?)del

Gene: ACADSB (acyl-CoA dehydrogenase short/branched chain; plus strand). Cytogenetic location: 10q26.13.
Variant type: Deletion.
Identifiers: ClinVar variation 583673 (VCV000583673.7).

ClinVar aggregate classification (germline): Pathogenic (1 of 4 stars; one submission).

Conditions:
Deficiency of 2-methylbutyryl-CoA dehydrogenase (ACADSB). Also called: 2-methylbutyryl-CoA dehydrogenase deficiency; SBCAD deficiency; 2-methylbutyric aciduria; Short branched-chain acyl-CoA dehydrogenase deficiency; 2-methylbutyrylglycinuria. Identifiers: Orphanet 79157, MedGen C1864912, MONDO:0012392, OMIM 610006, HP:0020147.

Submission:

Labcorp Genetics (formerly Invitae), Labcorp
Classification: Pathogenic for Deficiency of 2-methylbutyryl-CoA dehydrogenase. Last evaluated: 2023-05-04. Review status: criteria provided, single submitter. Criteria: Invitae Variant Classification Sherloc (09022015). Collection method: clinical testing. Allele origin: germline.
Comment: For these reasons, this variant has been classified as Pathogenic. This variant disrupts a region of the ACADSB protein in which other variant(s) (p.Thr148Ile) have been determined to be pathogenic (PMID: 15615815, 17945527, 20547083, 30730842). This suggests that this is a clinically significant region of the protein, and that variants that disrupt it are likely to be disease-causing. This variant has not been reported in the literature in individuals affected with ACADSB-related conditions. This variant is a gross deletion of the genomic region encompassing exon(s) 2-5 of the ACADSB gene. This variant would be expected to be in-frame, preserving the integrity of the reading frame.

Literature cited by the submitters: PubMed 15615815; PubMed 17945527; PubMed 20547083; PubMed 30730842.